The following is an entry in ClinVar:

NM_000051.4(ATM):c.2979T>C (p.His993=)

Gene: ATM (ATM serine/threonine kinase; plus strand). Cytogenetic location: 11q22.3.
Variant type: single nucleotide variant.
Coding change: c.2979T>C on transcript NM_000051.4 (MANE Select); coding-DNA position 2979, T replaced by C.
Protein change: p.His993=; no amino-acid change (histidine 993 retained).
Molecular consequence: synonymous variant.
Genome position (GRCh38, 1-based): chr11:108,271,308, T>C. VCF-style: chr11-108271308-T-C. GRCh37 (hg19) VCF-style: chr11-108142035-T-C.
Other names: c.2979T>C, p.His993= (NM_001351834.2).
Identifiers: ClinVar variation 3253964 (VCV003253964.2), dbSNP rs2081569842.

ClinVar aggregate classification (germline): Benign/Likely benign. Review status: criteria provided, multiple submitters, no conflicts (2 of 4 stars). 2 submissions from 2 submitters: Benign (1); Likely benign (1). Last evaluated 2025-08-11.

Conditions:
Familial cancer of breast. Also called: BREAST CANCER, FAMILIAL; hereditary breast carcinoma; Hereditary breast cancer. Identifiers: Orphanet 227535, MedGen C0346153, MONDO:0016419, OMIM 114480. Disease mechanism: loss of function.
Ataxia-telangiectasia syndrome (AT). Also called: LOUIS-BAR SYNDROME; Cerebello-oculocutaneous telangiectasia; Immunodeficiency with ataxia telangiectasia; AT, COMPLEMENTATION GROUP C; Ataxia-telangiectasia, complementation group D; ATAXIA-TELANGIECTASIA, COMPLEMENTATION GROUP A. Identifiers: Orphanet 100, MedGen C0004135, MONDO:0008840, OMIM 208900.

Allele frequency attached by ClinVar (database versions not stated): gnomAD 0.00001.
gnomAD v4.1: 1 of 1,613,906 alleles (0.000062%); highest among the groups gnomAD compares: African/African-American, 0.0013%; no homozygotes.

Submissions (2):

Labcorp Genetics (formerly Invitae), Labcorp
Classification: Likely benign for Ataxia-telangiectasia syndrome. Last evaluated: 2025-08-11. Review status: criteria provided, single submitter. Criteria: Invitae Variant Classification Sherloc (09022015). Collection method: clinical testing. Allele origin: germline.

Myriad Genetics, Inc.
Classification: Benign for Familial cancer of breast. Last evaluated: 2024-05-13. Review status: criteria provided, single submitter. Criteria: Myriad Autosomal Dominant, Autosomal Recessive and X-Linked Classification Criteria (2023). Collection method: clinical testing. Allele origin: unknown.
Comment: This variant is considered benign. This variant is a silent/synonymous amino acid change and it is not expected to impact splicing.